The following is an entry in ClinVar:

ClinVar aggregate classification (germline): Uncertain significance (1 of 4 stars; one submission).

Conditions:
Familial thoracic aortic aneurysm and aortic dissection (TAAD). Also called: Thoracic aortic aneurysms and dissections. Identifiers: Orphanet 91387, MedGen C4707243, MONDO:0019625.

gnomAD v4.1: 1 of 1,596,628 alleles (0.000063%); highest among the groups gnomAD compares: Non-Finnish European, 0.000085%; no homozygotes.

Submission:

Ambry Genetics
Classification: Uncertain significance for Familial thoracic aortic aneurysm and aortic dissection. Last evaluated: 2023-06-28. Review status: criteria provided, single submitter. Criteria: Ambry Variant Classification Scheme 2023. Collection method: clinical testing. Allele origin: germline.
Comment: The p.Q29H variant (also known as c.87G>T), located in coding exon 1 of the TGFBR2 gene, results from a G to T substitution at nucleotide position 87. The glutamine at codon 29 is replaced by histidine, an amino acid with highly similar properties. This amino acid position is conserved. In addition, this alteration is predicted to be tolerated by in silico analysis. Since supporting evidence is limited at this time, the clinical significance of this alteration remains unclear.

NM_003242.6(TGFBR2):c.87G>T (p.Gln29His)

Gene: TGFBR2 (transforming growth factor beta receptor 2; plus strand). Cytogenetic location: 3p24.1.
Variant type: single nucleotide variant.
Coding change: c.87G>T on transcript NM_003242.6 (MANE Select); coding-DNA position 87, G replaced by T.
Protein change: p.Gln29His; replaces glutamine 29 with histidine.
Molecular consequence: missense variant. On other transcripts: 5 prime UTR variant (4), intron variant (2).
Genome position (GRCh38, 1-based): chr3:30,606,970, G>T. VCF-style: chr3-30606970-G-T. GRCh37 (hg19) VCF-style: chr3-30648462-G-T.
Other names: c.87G>T, p.Gln29His (NM_001024847.3, NM_001407126.1, NM_001407127.1 and 4 more transcripts); c.-197G>T (NM_001407133.1); c.-75G>T (NM_001407134.1); c.-122G>T (NM_001407135.1); c.-207G>T (NM_001407136.1); c.-12+377G>T (NM_001407129.1, NM_001407132.1); short protein forms Q29H.
Identifiers: ClinVar variation 2626271 (VCV002626271.2), dbSNP rs1224678519, ClinGen allele CA351830631.
Genomic context (GRCh38, chr3:30,606,970, plus strand): 5'-GTGGCCGCTGCACATCGTCCTGTGGACGCGTATCGCCAGCACGATCCCACCGCACGTTCA[G>T]AAGTCGGGTGAGTGGTCCCCAGCCCGGGCTCGGCGGGGCGCCGGGGGTCTTCCTGGGGTC-3'
Protein context (NP_003233.4, residues 19-39): RIASTIPPHV[Gln29His]KSVNNDMIVT